The following is an entry in ClinVar:

ClinVar aggregate classification (germline): Pathogenic. Review status: criteria provided, multiple submitters, no conflicts (2 of 4 stars). 8 submissions from 8 submitters: Pathogenic (8). Last evaluated 2026-09-23.

Conditions:
Lamellar ichthyosis. Identifiers: Orphanet 313, MedGen C5848247, MONDO:0017778.
Ichthyosis and erythrokeratoderma.
ABCA12-related disorder. Also called: ABCA12-related condition.
Autosomal recessive congenital ichthyosis 4B (ARCI4B). Also called: ICHTHYOSIS CONGENITA, HARLEQUIN FETUS TYPE; HARLEQUIN ICHTHYOSIS; Ichthyosis, congenital, autosomal recessive 4B (harlequin); Harlequin Fetus. Identifiers: Orphanet 457, MedGen C0598226, MONDO:0009443, OMIM 242500.

Allele frequency attached by ClinVar (database versions not stated): gnomAD exomes 0.00002; gnomAD 0.00001; ExAC 0.00002; 1000 Genomes Project 0.00020; TOPMed 0.00003; 1000 Genomes Project 30x 0.00031.

Submissions (8):

Genetics Laboratory, Great Ormond Street Hospital NHS Foundation Trust, North Thames Genomic Laboratory Hub
Classification: Pathogenic for Ichthyosis and erythrokeratoderma. Last evaluated: 2026-09-23. Review status: criteria provided, single submitter. Criteria: ACGS Best Practice Guidelines for Variant Classification in Rare Disease 2024 v1.2. Collection method: clinical testing. Allele origin: germline. Affected: yes.
Comment: PM2_moderate, PVS1_very-strong, PM3_strong

GeneDx
Classification: Pathogenic. Last evaluated: 2025-04-09. Review status: criteria provided, single submitter. Criteria: GeneDx Variant Classification Process June 2021. Collection method: clinical testing. Allele origin: germline. Affected: yes.
Comment: Nonsense variant predicted to result in protein truncation or nonsense mediated decay in a gene for which loss of function is a known mechanism of disease; Immunofluorescent microscopy demonstrated a loss of ABCA12 expression in the epidermis of a patient with harlequin ichthyosis (PMID: 17684380); Not observed at significant frequency in large population cohorts (gnomAD); This variant is associated with the following publications: (PMID: 22495968, 17684380, 31589614, 25525159, 19262603, 24274932, 28851938, 22992804, 29887490)

Dasa
Classification: Pathogenic. Last evaluated: 2025-01-13. Review status: criteria provided, single submitter. Criteria: DASA Assertion Criteria. Collection method: clinical testing. Allele origin: germline.
Comment: NM_173076.3(ABCA12):c.7444C>T (p.Arg2482*) introduces a premature termination codon predicted to result in loss of normal protein function. Loss-of-function is an established mechanism of disease for this gene. This variant has been observed in affected individuals with related phenotype in a genotype context consistent with recessive disease. The variant is present at low frequency in population datasets. Based on the available data, this variant is classified as pathogenic.

PreventionGenetics, part of Exact Sciences
Classification: Pathogenic for ABCA12-related condition. Last evaluated: 2024-11-01. Review status: criteria provided, single submitter. Criteria: ACMG Guidelines, 2015. Collection method: clinical testing. Allele origin: germline.
Comment: The ABCA12 c.7444C>T variant is predicted to result in premature protein termination (p.Arg2482*). This variant has been reported in the homozygous and compound heterozygous state in individuals with harlequin ichthyosis (Akiyama et al. 2007. PubMed ID: 17684380; Koochek et al. 2013. PubMed ID: 24274932; Supplementary Table 2 in Simpson et al. 2019. PubMed ID: 31168818; Auriti et al. 2020. PubMed ID: 32293521). This variant is reported in 0.0099% of alleles in individuals of Ashkenazi Jewish descent in gnomAD. Nonsense variants in ABCA12 are expected to be pathogenic. This variant is interpreted as pathogenic.

Labcorp Genetics (formerly Invitae), Labcorp
Classification: Pathogenic. Last evaluated: 2024-07-31. Review status: criteria provided, single submitter. Criteria: Invitae Variant Classification Sherloc (09022015). Collection method: clinical testing. Allele origin: germline.
Comment: This sequence change creates a premature translational stop signal (p.Arg2482*) in the ABCA12 gene. It is expected to result in an absent or disrupted protein product. Loss-of-function variants in ABCA12 are known to be pathogenic (PMID: 20672373). This variant is present in population databases (rs199503269, gnomAD 0.01%). This premature translational stop signal has been observed in individual(s) with congenital ichthyosis (PMID: 17684380, 28851938, 31168818). ClinVar contains an entry for this variant (Variation ID: 419453). For these reasons, this variant has been classified as Pathogenic.

Foundation for Research in Genetics and Endocrinology, FRIGE's Institute of Human Genetics
Classification: Pathogenic for Autosomal recessive congenital ichthyosis 4B. Last evaluated: 2022-11-15. Review status: criteria provided, single submitter. Criteria: ACMG Guidelines, 2015. Collection method: clinical testing. Allele origin: germline. Inheritance: Autosomal recessive inheritance. Affected: yes. Observed: 1 homozygote.
Comment: A homozygous nonsense variation in exon 51 of the ABCA12 gene that results in a stop codon and premature truncation of the protein at codon 2482 was detected. The observed variation has previously been reported in patients with Herlequin ichthyosis (PMID:17684380). The variant has a minor allele frequency of 0.02% in the 1000 genomes database. The reference region is conserved across species. In summary, the variant meets our criteria to be classified as pathogenic.

Women's Health and Genetics/Laboratory Corporation of America, LabCorp
Classification: Pathogenic for Lamellar ichthyosis. Last evaluated: 2022-04-27. Review status: criteria provided, single submitter. Criteria: LabCorp Variant Classification Summary - May 2015. Collection method: clinical testing. Allele origin: germline.
Comment: Variant summary: ABCA12 c.7444C>T (p.Arg2482X) results in a premature termination codon, predicted to cause a truncation of the encoded protein or absence of the protein due to nonsense mediated decay, which are commonly known mechanisms for disease. The variant allele was found at a frequency of 2e-05 in 250934 control chromosomes. c.7444C>T has been reported in the literature as a homozygous or compound heterozygous genotype in multiple individuals affected with features of Lamellar Ichthyosis/Harlequin Ichthyosis (example, Sakai_2009, Khalili_2019, Cho_2017, Kun-Darbois_2016). These data indicate that the variant is very likely to be associated with disease. Three clinical diagnostic laboratories have submitted clinical-significance assessments for this variant to ClinVar after 2014 without evidence for independent evaluation. All laboratories classified the variant as pathogenic/likely pathogenic. Based on the evidence outlined above, the variant was classified as pathogenic.

Equipe Genetique des Anomalies du Developpement, Université de Bourgogne
Classification: Pathogenic for Autosomal recessive congenital ichthyosis 4B. Last evaluated: 2016-08-05. Review status: criteria provided, single submitter. Criteria: ACMG Guidelines, 2015. Collection method: clinical testing. Allele origin: unknown. Affected: yes. Study: Clinvar_gadteam_Clinical_exome_analysis_3.

Literature cited by the submitters: PubMed 20672373 (cited by Labcorp Genetics (formerly Invitae), Labcorp); PubMed 17684380 (cited by Labcorp Genetics (formerly Invitae), Labcorp and Women's Health and Genetics/Laboratory Corporation of America, LabCorp); PubMed 28851938 (cited by Labcorp Genetics (formerly Invitae), Labcorp and Women's Health and Genetics/Laboratory Corporation of America, LabCorp); PubMed 31168818 (cited by Labcorp Genetics (formerly Invitae), Labcorp); PubMed 31586585 (cited by Women's Health and Genetics/Laboratory Corporation of America, LabCorp); PubMed 26740202 (cited by Women's Health and Genetics/Laboratory Corporation of America, LabCorp); PubMed 19262603 (cited by Women's Health and Genetics/Laboratory Corporation of America, LabCorp).

NM_173076.3(ABCA12):c.7444C>T (p.Arg2482Ter)

Genes: ABCA12 (ATP binding cassette subfamily A member 12; minus strand), SNHG31 (small nucleolar RNA host gene 31; plus strand). Cytogenetic location: 2q35.
Variant type: single nucleotide variant.
Coding change: c.7444C>T on transcript NM_173076.3 (MANE Select); coding-DNA position 7444, C replaced by T.
Protein change: p.Arg2482Ter; replaces arginine 2482 with a stop codon.
Molecular consequence: nonsense. On other transcripts: non-coding transcript variant (1).
Genome position (GRCh38, 1-based): chr2:214,937,608, G>A on the plus strand (C>T on the coding strand, the complement: ABCA12 is on the minus strand). VCF-style: chr2-214937608-G-A. GRCh37 (hg19) VCF-style: chr2-215802332-G-A.
Other names: p.Arg2482Ter; c.6490C>T, p.Arg2164Ter (NM_015657.4); short protein forms R2482*, R2164*.
Identifiers: ClinVar variation 419453 (VCV000419453.16), dbSNP rs199503269, ClinGen allele CA2090634.